The following is an entry in ClinVar:

ClinVar aggregate classification (germline): Uncertain significance (1 of 4 stars; one submission).

Conditions:
Inborn genetic diseases. Identifiers: MedGen C0950123, MeSH D030342.

gnomAD v4.1: 7 of 1,595,062 alleles (0.00044%); highest among the groups gnomAD compares: South Asian, 0.0012%; no homozygotes.

Submission:

Ambry Genetics
Classification: Uncertain significance for Inborn genetic diseases. Last evaluated: 2026-07-13. Review status: criteria provided, single submitter. Criteria: Ambry Variant Classification Scheme 2023. Collection method: clinical testing. Allele origin: germline.
Comment: The p.F943S variant (also known as c.2828T>C), located in coding exon 24 of the ANKRD26 gene, results from a T to C substitution at nucleotide position 2828. The phenylalanine at codon 943 is replaced by serine, an amino acid with highly dissimilar properties. This amino acid position is conserved. In addition, this alteration is predicted to be tolerated by in silico analysis. Based on the available evidence, the clinical significance of this variant remains unclear.

NM_014915.3(ANKRD26):c.2828T>C (p.Phe943Ser)

Gene: ANKRD26 (ankyrin repeat domain 26; minus strand). Cytogenetic location: 10p12.1.
Variant type: single nucleotide variant.
Coding change: c.2828T>C on transcript NM_014915.3 (MANE Select); coding-DNA position 2828, T replaced by C.
Protein change: p.Phe943Ser; replaces phenylalanine 943 with serine.
Molecular consequence: missense variant.
Genome position (GRCh38, 1-based): chr10:27,035,622, A>G on the plus strand (T>C on the coding strand, the complement: ANKRD26 is on the minus strand). VCF-style: chr10-27035622-A-G. GRCh37 (hg19) VCF-style: chr10-27324551-A-G.
Other names: c.2825T>C, p.Phe942Ser (NM_001256053.2); short protein forms F942S, F943S.
Identifiers: ClinVar variation 5023017 (VCV005023017.1).